The following is an entry in ClinVar:

NM_005963.4(MYH1):c.2110G>A (p.Glu704Lys)

Genes: MYH1 (myosin heavy chain 1; minus strand), MYHAS (myosin heavy chain gene cluster antisense RNA; plus strand). Cytogenetic location: 17p13.1.
Variant type: single nucleotide variant.
Coding change: c.2110G>A on transcript NM_005963.4 (MANE Select); coding-DNA position 2110, G replaced by A.
Protein change: p.Glu704Lys; replaces glutamic acid 704 with lysine.
Molecular consequence: missense variant.
Genome position (GRCh38, 1-based): chr17:10,505,876, C>T on the plus strand (G>A on the coding strand, the complement: MYH1 is on the minus strand). VCF-style: chr17-10505876-C-T. GRCh37 (hg19) VCF-style: chr17-10409193-C-T.
Other names: short protein forms E704K.
Identifiers: ClinVar variation 2212897 (VCV002212897.16), dbSNP rs149164396, ClinGen allele CA032899.

ClinVar aggregate classification (germline): Conflicting classifications of pathogenicity. Review status: criteria provided, conflicting classifications (1 of 4 stars). 2 submissions from 2 submitters: Uncertain significance (1); Likely benign (1). Last evaluated 2024-11-01.

Allele frequency attached by ClinVar (database versions not stated): 1000 Genomes Project 30x 0.00016; 1000 Genomes Project 0.00020; ExAC 0.00110; TOPMed 0.00117; gnomAD 0.00119; ESP Exome Variant Server 0.00169; gnomAD exomes 0.00184.
gnomAD v4.1: 2,855 of 1,614,122 alleles (0.18%); highest among the groups gnomAD compares: Non-Finnish European, 0.23%; 3 homozygotes.

Submissions (2):

CeGaT Center for Human Genetics Tuebingen
Classification: Likely benign. Last evaluated: 2024-11-01. Review status: criteria provided, single submitter. Criteria: CeGaT Center For Human Genetics Tuebingen Variant Classification Criteria Version 2. Collection method: clinical testing. Allele origin: germline. Affected: yes. Observed: 1 variant allele.
Comment: MYH1: PP3, BS2

Ambry Genetics
Classification: Uncertain significance. Last evaluated: 2021-07-08. Review status: criteria provided, single submitter. Criteria: Ambry Variant Classification Scheme 2023. Collection method: clinical testing. Allele origin: germline.